The following is an entry in ClinVar:

NM_004863.4(SPTLC2):c.786T>C (p.Asn262=)

Gene: SPTLC2 (serine palmitoyltransferase long chain base subunit 2; minus strand). Cytogenetic location: 14q24.3.
Variant type: single nucleotide variant.
Coding change: c.786T>C on transcript NM_004863.4 (MANE Select); coding-DNA position 786, T replaced by C.
Protein change: p.Asn262=; no amino-acid change (asparagine 262 retained).
Molecular consequence: synonymous variant.
Genome position (GRCh38, 1-based): chr14:77,562,460, A>G on the plus strand (T>C on the coding strand, the complement: SPTLC2 is on the minus strand). VCF-style: chr14-77562460-A-G. GRCh37 (hg19) VCF-style: chr14-78028803-A-G.
Other names: p.Asn262=.
Identifiers: ClinVar variation 314672 (VCV000314672.21), dbSNP rs2364602, ClinGen allele CA7289358.

ClinVar aggregate classification (germline): Benign. Review status: criteria provided, multiple submitters, no conflicts (2 of 4 stars). 9 submissions from 9 submitters: Benign (7). 2 of the submissions do not count toward it. Last evaluated 2026-02-04.

Conditions:
Neuropathy, hereditary sensory and autonomic, type 1C. Also called: HSAN IC; HSN IC. Identifiers: Orphanet 36386, MedGen C3150896, MONDO:0013337, OMIM 613640.

Allele frequency attached by ClinVar (database versions not stated): TOPMed 0.82472; 1000 Genomes Project 30x 0.82839; gnomAD 0.83233 and 0.84015; ESP Exome Variant Server 0.83385; 1000 Genomes Project 0.83746; ExAC 0.90294; gnomAD exomes 0.90426 and 0.92452.

Submissions (9):

Labcorp Genetics (formerly Invitae), Labcorp
Classification: Benign for Neuropathy, hereditary sensory and autonomic, type 1C. Last evaluated: 2026-02-04. Review status: criteria provided, single submitter. Criteria: Invitae Variant Classification Sherloc (09022015). Collection method: clinical testing. Allele origin: germline.

Genome-Nilou Lab
Classification: Benign for Neuropathy, hereditary sensory and autonomic, type 1C. Last evaluated: 2021-07-15. Review status: criteria provided, single submitter. Criteria: ACMG Guidelines, 2015. Collection method: clinical testing. Allele origin: germline. Affected: no.

Illumina Laboratory Services, Illumina
Classification: Benign for Neuropathy, hereditary sensory and autonomic, type 1C. Last evaluated: 2018-01-13. Review status: criteria provided, single submitter. Criteria: ICSL Variant Classification Criteria 13 December 2019. Collection method: clinical testing. Allele origin: germline.
Comment: This variant was observed in the ICSL laboratory as part of a predisposition screen in an ostensibly healthy population. It had not been previously curated by ICSL or reported in the Human Gene Mutation Database (HGMD: prior to June 1st, 2018), and was therefore a candidate for classification through an automated scoring system. Utilizing variant allele frequency, disease prevalence and penetrance estimates, and inheritance mode, an automated score was calculated to assess if this variant is too frequent to cause the disease. Based on the score and internal cut-off values, a variant classified as benign is not then subjected to further curation. The score for this variant resulted in a classification of benign for this disease.

Athena Diagnostics
Classification: Benign. Last evaluated: 2017-07-26. Review status: criteria provided, single submitter. Criteria: Athena Diagnostics Criteria. Collection method: clinical testing. Allele origin: germline.

Mayo Clinic Laboratories, Mayo Clinic
Classification: Benign. Last evaluated: 2015-09-01. Review status: criteria provided, single submitter. Criteria: ACMG Guidelines, 2015. Collection method: clinical testing. Allele origin: germline. Observed: 1,570 variant alleles.

GeneDx
Classification: Benign. Last evaluated: 2015-03-03. Review status: criteria provided, single submitter. Criteria: GeneDx Variant Classification Process June 2021. Collection method: clinical testing. Allele origin: germline. Affected: yes.

Breakthrough Genomics
Classification: Benign. Review status: criteria provided, single submitter. Criteria: ACMG Guidelines, 2015. Collection method: not provided. Allele origin: germline. Inheritance: Autosomal dominant inheritance. Affected: yes.

Clinical Genetics, Academic Medical Center
Classification: Benign. Review status: no assertion criteria provided. Collection method: clinical testing. Allele origin: germline. Affected: yes. Study: VKGL Data-share Consensus. Not counted in ClinVar's aggregate classification.

Diagnostic Laboratory, Department of Genetics, University Medical Center Groningen
Classification: Benign for Neuropathy, hereditary sensory and autonomic, type 1C. Review status: no assertion criteria provided. Collection method: clinical testing. Allele origin: germline. Affected: yes. Study: VKGL Data-share Consensus. Not counted in ClinVar's aggregate classification.